The following is an entry in ClinVar:

ClinVar aggregate classification (germline): Uncertain significance (1 of 4 stars; one submission).

Conditions:
Primary ciliary dyskinesia. Also called: Ciliary dyskinesia. Identifiers: Orphanet 244, MedGen C0008780, MONDO:0016575, HP:0012265.

Allele frequency attached by ClinVar (database versions not stated): gnomAD exomes below 0.00001.
gnomAD v4.1: 1 of 1,610,542 alleles (0.000062%); highest among the groups gnomAD compares: Non-Finnish European, 0.000085%; no homozygotes.

Submission:

Labcorp Genetics (formerly Invitae), Labcorp
Classification: Uncertain significance for Primary ciliary dyskinesia. Last evaluated: 2022-03-12. Review status: criteria provided, single submitter. Criteria: Invitae Variant Classification Sherloc (09022015). Collection method: clinical testing. Allele origin: germline.
Comment: This sequence change replaces aspartic acid, which is acidic and polar, with glycine, which is neutral and non-polar, at codon 476 of the DNAH11 protein (p.Asp476Gly). This variant is not present in population databases (gnomAD no frequency). This variant has not been reported in the literature in individuals affected with DNAH11-related conditions. Algorithms developed to predict the effect of missense changes on protein structure and function are either unavailable or do not agree on the potential impact of this missense change (SIFT: "Tolerated"; PolyPhen-2: "Possibly Damaging"; Align-GVGD: "Class C0"). In summary, the available evidence is currently insufficient to determine the role of this variant in disease. Therefore, it has been classified as a Variant of Uncertain Significance.

NM_001277115.2(DNAH11):c.1427A>G (p.Asp476Gly)

Gene: DNAH11 (dynein axonemal heavy chain 11; plus strand). Cytogenetic location: 7p15.3.
Variant type: single nucleotide variant.
Coding change: c.1427A>G on transcript NM_001277115.2 (MANE Select); coding-DNA position 1427, A replaced by G.
Protein change: p.Asp476Gly; replaces aspartic acid 476 with glycine.
Molecular consequence: missense variant.
Genome position (GRCh38, 1-based): chr7:21,571,807, A>G. VCF-style: chr7-21571807-A-G. GRCh37 (hg19) VCF-style: chr7-21611425-A-G.
Other names: c.1427A>G, p.Asp476Gly (NM_003777.3); short protein forms D476G.
Identifiers: ClinVar variation 2110361 (VCV002110361.4), dbSNP rs1028226024, ClinGen allele CA155060702.
Genomic context (GRCh38, chr7:21,571,807, plus strand): 5'-CTTTAAAATATTTTGCTGCTCAATGTAGTGGAAAGGTCTTTACTGTGTTTTTTACAAAGG[A>G]TATATTTGCCACCACTTTGGAATTTGAAAAGCTGGAAAGACTGGAATTTGGTGGTACCAA-3'
Protein context (NP_001264044.1, residues 466-486): KFLDRLIKIE[Asp476Gly]IFATTLEFEK